The following is an entry in ClinVar:

NM_002500.5(NEUROD1):c.973C>A (p.Arg325Ser)

Gene: NEUROD1 (neuronal differentiation 1; minus strand). Cytogenetic location: 2q31.3.
Variant type: single nucleotide variant.
Coding change: c.973C>A on transcript NM_002500.5 (MANE Select); coding-DNA position 973, C replaced by A.
Protein change: p.Arg325Ser; replaces arginine 325 with serine.
Molecular consequence: missense variant.
Genome position (GRCh38, 1-based): chr2:181,677,888, G>T on the plus strand (C>A on the coding strand, the complement: NEUROD1 is on the minus strand). VCF-style: chr2-181677888-G-T. GRCh37 (hg19) VCF-style: chr2-182542615-G-T.
Other names: short protein forms R325S.
Identifiers: ClinVar variation 333036 (VCV000333036.12), dbSNP rs368727469, ClinGen allele CA2011026.

ClinVar aggregate classification (germline): Conflicting classifications of pathogenicity. Review status: criteria provided, conflicting classifications (1 of 4 stars). 3 submissions from 3 submitters: Uncertain significance (2); Likely benign (1). Last evaluated 2025-11-18.

Conditions:
Maturity-onset diabetes of the young type 6 (MODY6). Identifiers: Orphanet 552, MedGen C1853371, MONDO:0011668, OMIM 606394.
Type 2 diabetes mellitus. Also called: Type II diabetes mellitus. Identifiers: MedGen C0011860, MeSH D003924, MONDO:0005148, OMIM 125853, HP:0005978.

Allele frequency attached by ClinVar (database versions not stated): TOPMed 0.00003; gnomAD 0.00004 and 0.00006; gnomAD exomes 0.00014 and 0.00020; ESP Exome Variant Server 0.00015; ExAC 0.00024.
gnomAD v4.1: 211 of 1,614,082 alleles (0.013%); highest among the groups gnomAD compares: South Asian, 0.14%; no homozygotes.

Submissions (3):

Labcorp Genetics (formerly Invitae), Labcorp
Classification: Uncertain significance. Last evaluated: 2025-11-18. Review status: criteria provided, single submitter. Criteria: Invitae Variant Classification Sherloc (09022015). Collection method: clinical testing. Allele origin: germline.
Comment: This sequence change replaces arginine, which is basic and polar, with serine, which is neutral and polar, at codon 325 of the NEUROD1 protein (p.Arg325Ser). This variant is present in population databases (rs368727469, gnomAD 0.1%). This variant has not been reported in the literature in individuals affected with NEUROD1-related conditions. ClinVar contains an entry for this variant (Variation ID: 333036). Invitae Evidence Modeling of protein sequence and biophysical properties (such as structural, functional, and spatial information, amino acid conservation, physicochemical variation, residue mobility, and thermodynamic stability) indicates that this missense variant is not expected to disrupt NEUROD1 protein function with a negative predictive value of 80%. In summary, the available evidence is currently insufficient to determine the role of this variant in disease. Therefore, it has been classified as a Variant of Uncertain Significance.

Fulgent Genetics
Classification: Uncertain significance for Type 2 diabetes mellitus; Maturity-onset diabetes of the young type 6. Last evaluated: 2024-03-26. Review status: criteria provided, single submitter. Criteria: ACMG Guidelines, 2015. Collection method: clinical testing. Allele origin: germline.

Illumina Laboratory Services, Illumina
Classification: Likely benign for Maturity-onset diabetes of the young type 6. Last evaluated: 2018-01-13. Review status: criteria provided, single submitter. Criteria: ICSL Variant Classification Criteria 13 December 2019. Collection method: clinical testing. Allele origin: germline.
Comment: This variant was observed in the ICSL laboratory as part of a predisposition screen in an ostensibly healthy population. It had not been previously curated by ICSL or reported in the Human Gene Mutation Database (HGMD: prior to June 1st, 2018), and was therefore a candidate for classification through an automated scoring system. Utilizing variant allele frequency, disease prevalence and penetrance estimates, and inheritance mode, an automated score was calculated to assess if this variant is too frequent to cause the disease. Based on the score and internal cut-off values, a variant classified as likely benign is not then subjected to further curation. The score for this variant resulted in a classification of likely benign for this disease.